The following is an entry in ClinVar:

NM_015512.5(DNAH1):c.8456G>A (p.Gly2819Glu)

Gene: DNAH1 (dynein axonemal heavy chain 1; plus strand). Cytogenetic location: 3p21.1.
Variant type: single nucleotide variant.
Coding change: c.8456G>A on transcript NM_015512.5 (MANE Select); coding-DNA position 8456, G replaced by A.
Protein change: p.Gly2819Glu; replaces glycine 2819 with glutamic acid.
Molecular consequence: missense variant.
Genome position (GRCh38, 1-based): chr3:52,384,919, G>A. VCF-style: chr3-52384919-G-A. GRCh37 (hg19) VCF-style: chr3-52418935-G-A.
Other names: short protein forms G2819E.
Identifiers: ClinVar variation 956210 (VCV000956210.7), dbSNP rs774716987, ClinGen allele CA2435211.

ClinVar aggregate classification (germline): Uncertain significance (1 of 4 stars; one submission).

Conditions:
Spermatogenic failure 18. Identifiers: MedGen C4539783, MONDO:0054615, OMIM 617576.
Ciliary dyskinesia, primary, 37 (CILD37). Also called: CILIARY DYSKINESIA, PRIMARY, 37, WITH OR WITHOUT SITUS INVERSUS. Identifiers: MedGen C4539798, MONDO:0033204, OMIM 617577.

Allele frequency attached by ClinVar (database versions not stated): TOPMed below 0.00001; gnomAD exomes 0.00010 and 0.00011; gnomAD 0.00011 and 0.00012; ExAC 0.00012.
gnomAD v4.1: 80 of 1,613,522 alleles (0.005%); highest among the groups gnomAD compares: Non-Finnish European, 0.00017%; no homozygotes.

Submission:

Labcorp Genetics (formerly Invitae), Labcorp
Classification: Uncertain significance for Ciliary dyskinesia, primary, 37; Spermatogenic failure 18. Last evaluated: 2019-11-02. Review status: criteria provided, single submitter. Criteria: Invitae Variant Classification Sherloc (09022015). Collection method: clinical testing. Allele origin: germline.
Comment: In summary, the available evidence is currently insufficient to determine the role of this variant in disease. Therefore, it has been classified as a Variant of Uncertain Significance. Algorithms developed to predict the effect of missense changes on protein structure and function output the following: SIFT: "Deleterious"; PolyPhen-2: "Benign"; Align-GVGD: "Class C0". The glutamic acid amino acid residue is found in multiple mammalian species, suggesting that this missense change does not adversely affect protein function. These predictions have not been confirmed by published functional studies and their clinical significance is uncertain. This variant has not been reported in the literature in individuals with DNAH1-related conditions. This variant is present in population databases (rs774716987, ExAC 0.2%). This sequence change replaces glycine with glutamic acid at codon 2819 of the DNAH1 protein (p.Gly2819Glu). The glycine residue is highly conserved and there is a moderate physicochemical difference between glycine and glutamic acid.